The following is an entry in ClinVar:

NM_014283.5(SUCO):c.992C>A (p.Ala331Asp)

Gene: SUCO (SUN domain containing ossification factor; plus strand). Cytogenetic location: 1q24.3.
Variant type: single nucleotide variant.
Coding change: c.992C>A on transcript NM_014283.5 (MANE Select); coding-DNA position 992, C replaced by A.
Protein change: p.Ala331Asp; replaces alanine 331 with aspartic acid.
Molecular consequence: missense variant. On other transcripts: 5 prime UTR variant (1).
Genome position (GRCh38, 1-based): chr1:172,570,673, C>A. VCF-style: chr1-172570673-C-A. GRCh37 (hg19) VCF-style: chr1-172539813-C-A.
Other names: c.881C>A, p.Ala294Asp (NM_001282750.2); c.-538C>A (NM_001282751.2); c.1466C>A, p.Ala489Asp (NM_016227.4); short protein forms A294D, A331D, A489D.
Identifiers: ClinVar variation 1475065 (VCV001475065.8), dbSNP rs2149245519, ClinGen allele CA343737892.
Genomic context (GRCh38, chr1:172,570,673, plus strand): 5'-TTCTTCATTATTCCTTAAGTAATTTGTTTCCTTTCCTCTTTTTAAAATAGAGCACATCTG[C>A]TATTCTTATAGAAAATATGGATCTTTACATGTTGAATCCTTGCAGCACTAAAATTTGGTG-3'
Protein context (NP_055098.1, residues 321-341): AANPEAKSTS[Ala331Asp]ILIENMDLYM

ClinVar aggregate classification (germline): Uncertain significance (1 of 4 stars; one submission).

Submission:

Labcorp Genetics (formerly Invitae), Labcorp
Classification: Uncertain significance. Last evaluated: 2021-07-22. Review status: criteria provided, single submitter. Criteria: Invitae Variant Classification Sherloc (09022015). Collection method: clinical testing. Allele origin: germline.
Comment: Algorithms developed to predict the effect of missense changes on protein structure and function are either unavailable or do not agree on the potential impact of this missense change (SIFT: "Deleterious"; PolyPhen-2: "Probably Damaging"; Align-GVGD: "Class C0"). In summary, the available evidence is currently insufficient to determine the role of this variant in disease. Therefore, it has been classified as a Variant of Uncertain Significance. This variant has not been reported in the literature in individuals affected with SUCO-related conditions. This variant is not present in population databases (ExAC no frequency). This sequence change replaces alanine with aspartic acid at codon 331 of the SUCO protein (p.Ala331Asp). The alanine residue is highly conserved and there is a moderate physicochemical difference between alanine and aspartic acid.